The following is an entry in ClinVar:

NM_006231.4(POLE):c.631A>T (p.Ile211Leu)

Gene: POLE (DNA polymerase epsilon, catalytic subunit; minus strand). Cytogenetic location: 12q24.33.
Variant type: single nucleotide variant.
Coding change: c.631A>T on transcript NM_006231.4 (MANE Select); coding-DNA position 631, A replaced by T.
Protein change: p.Ile211Leu; replaces isoleucine 211 with leucine.
Molecular consequence: missense variant.
Genome position (GRCh38, 1-based): chr12:132,677,667, T>A on the plus strand (A>T on the coding strand, the complement: POLE is on the minus strand). VCF-style: chr12-132677667-T-A. GRCh37 (hg19) VCF-style: chr12-133254253-T-A.
Other names: short protein forms I211L.
Identifiers: ClinVar variation 422963 (VCV000422963.58), dbSNP rs1064796126, ClinGen allele CA16619484.

ClinVar aggregate classification (germline): Conflicting classifications of pathogenicity. Review status: criteria provided, conflicting classifications (1 of 4 stars). 7 submissions from 7 submitters: Uncertain significance (6); Likely benign (1). Last evaluated 2026-09-01.

Conditions:
Hereditary cancer-predisposing syndrome. Also called: Hereditary neoplastic syndrome; Neoplastic Syndromes, Hereditary; Hereditary Cancer Syndrome; Tumor predisposition. Identifiers: Orphanet 140162, MedGen C0027672, MeSH D009386, MONDO:0015356.
Colorectal cancer, susceptibility to, 12 (CRCS12). Also called: COLORECTAL CANCER, SUSCEPTIBILITY TO, ON CHROMOSOME 12q24. Identifiers: Orphanet 220460, MedGen C3554460, MONDO:0014038, OMIM 615083.

Allele frequency attached by ClinVar (database versions not stated): gnomAD exomes below 0.00001 and 0.00001; gnomAD 0.00001; TOPMed 0.00001.
gnomAD v4.1: 16 of 1,614,060 alleles (0.00099%); highest among the groups gnomAD compares: Non-Finnish European, 0.0012%; no homozygotes.

Submissions (7):

CeGaT Center for Human Genetics Tuebingen
Classification: Uncertain significance. Last evaluated: 2026-09-01. Review status: criteria provided, single submitter. Criteria: CeGaT Center For Human Genetics Tuebingen Variant Classification Criteria Version 2. Collection method: clinical testing. Allele origin: germline. Affected: yes. Observed: 2 variant alleles.
Comment: POLE: PM2:Supporting, BP4

Labcorp Genetics (formerly Invitae), Labcorp
Classification: Uncertain significance. Last evaluated: 2026-01-18. Review status: criteria provided, single submitter. Criteria: Invitae Variant Classification Sherloc (09022015). Collection method: clinical testing. Allele origin: germline.
Comment: This sequence change replaces isoleucine, which is neutral and non-polar, with leucine, which is neutral and non-polar, at codon 211 of the POLE protein (p.Ile211Leu). This variant is not present in population databases (gnomAD no frequency). This variant has not been reported in the literature in individuals affected with POLE-related conditions. ClinVar contains an entry for this variant (Variation ID: 422963). Invitae Evidence Modeling of protein sequence and biophysical properties (such as structural, functional, and spatial information, amino acid conservation, physicochemical variation, residue mobility, and thermodynamic stability) indicates that this missense variant is not expected to disrupt POLE protein function with a negative predictive value of 80%. In summary, the available evidence is currently insufficient to determine the role of this variant in disease. Therefore, it has been classified as a Variant of Uncertain Significance.

Center for Genomic Medicine, Rigshospitalet, Copenhagen University Hospital
Classification: Uncertain significance. Last evaluated: 2025-12-29. Review status: criteria provided, single submitter. Criteria: ACMG Guidelines, 2015. Collection method: clinical testing. Allele origin: germline.

Ambry Genetics
Classification: Likely benign for Hereditary cancer-predisposing syndrome. Last evaluated: 2024-12-23. Review status: criteria provided, single submitter. Criteria: Ambry Variant Classification Scheme 2023. Collection method: clinical testing. Allele origin: germline.

MGZ Medical Genetics Center
Classification: Uncertain significance for Colorectal cancer, susceptibility to, 12. Last evaluated: 2021-12-20. Review status: criteria provided, single submitter. Criteria: ACMG Guidelines, 2015. Collection method: clinical testing. Allele origin: germline. Affected: yes. Observed: 1 variant allele.
Comment: ACMG criteria applied: PM2_SUP, BP4

GeneDx
Classification: Uncertain significance. Last evaluated: 2016-12-29. Review status: criteria provided, single submitter. Criteria: GeneDx Variant Classification (06012015). Collection method: clinical testing. Allele origin: germline. Affected: yes.
Comment: This variant is denoted POLE c.631A>T at the cDNA level, p.Ile211Leu (I211L) at the protein level, and results in the change of an Isoleucine to a Leucine (ATA>TTA). This variant has not, to our knowledge, been published in the literature as pathogenic or benign. POLE Ile211Leu was not observed in approximately 6,500 individuals of European and African American ancestry in the NHLBI Exome Sequencing Project, suggesting it is not a common benign variant in these populations. Since Isoleucine and Leucine share similar properties, this is considered a conservative amino acid substitution. POLE Ile211Leu occurs at a position that is not conserved and is not located in a known functional domain (Tahirov 2009, Preston 2010). In silico analyses predict that this variant is unlikely to alter protein structure or function. Based on currently available evidence, it is unclear whether POLE Ile211Leu is a pathogenic or benign variant. We consider it to be a variant of uncertain significance.

Breakthrough Genomics
Classification: Uncertain significance. Review status: criteria provided, single submitter. Criteria: ACMG Guidelines, 2015. Collection method: not provided. Allele origin: germline. Inheritance: Autosomal recessive inheritance. Affected: yes.